The following is an entry in ClinVar:

ClinVar aggregate classification (germline): Benign. Review status: criteria provided, multiple submitters, no conflicts (2 of 4 stars). 2 submissions from 2 submitters: Benign (2). Last evaluated 2018-01-13.

Conditions:
Sclerosteosis 1 (SOST1). Also called: CORTICAL HYPEROSTOSIS WITH SYNDACTYLY. Identifiers: Orphanet 3152, MedGen C4551483, MONDO:0010016, OMIM 269500.

Allele frequency attached by ClinVar (database versions not stated): 1000 Genomes Project 0.00859; 1000 Genomes Project 30x 0.00874; TOPMed 0.01157; gnomAD 0.01264 and 0.01281; gnomAD exomes 0.01528.
gnomAD v4.1: 5,006 of 353,596 alleles (1.4%); highest among the groups gnomAD compares: Non-Finnish European, 1.9%; 53 homozygotes.

Submissions (2):

Illumina Laboratory Services, Illumina
Classification: Benign for Sclerosteosis 1. Last evaluated: 2018-01-13. Review status: criteria provided, single submitter. Criteria: ICSL Variant Classification Criteria 13 December 2019. Collection method: clinical testing. Allele origin: germline.
Comment: This variant was observed in the ICSL laboratory as part of a predisposition screen in an ostensibly healthy population. It had not been previously curated by ICSL or reported in the Human Gene Mutation Database (HGMD: prior to June 1st, 2018), and was therefore a candidate for classification through an automated scoring system. Utilizing variant allele frequency, disease prevalence and penetrance estimates, and inheritance mode, an automated score was calculated to assess if this variant is too frequent to cause the disease. Based on the score and internal cut-off values, a variant classified as benign is not then subjected to further curation. The score for this variant resulted in a classification of benign for this disease.

Breakthrough Genomics
Classification: Benign. Review status: criteria provided, single submitter. Criteria: ACMG Guidelines, 2015. Collection method: not provided. Allele origin: germline. Inheritance: Autosomal recessive inheritance. Affected: yes.

NM_025237.3(SOST):c.*320C>T

Gene: SOST (sclerostin; minus strand). Cytogenetic location: 17q21.31.
Variant type: single nucleotide variant.
Coding change: c.*320C>T on transcript NM_025237.3 (MANE Select); 320 bases downstream of the stop codon, C replaced by T.
Molecular consequence: 3 prime UTR variant.
Genome position (GRCh38, 1-based): chr17:43,755,022, G>A on the plus strand (C>T on the coding strand, the complement: SOST is on the minus strand). VCF-style: chr17-43755022-G-A. GRCh37 (hg19) VCF-style: chr17-41832390-G-A.
Identifiers: ClinVar variation 892296 (VCV000892296.5), dbSNP rs17883310, ClinGen allele CA290856535.